The following is an entry in ClinVar:

NM_000081.4(LYST):c.8619dup (p.Gln2874fs)

Gene: LYST (lysosomal trafficking regulator; minus strand). Cytogenetic location: 1q42.3.
Variant type: Duplication.
Coding change: c.8619dup on transcript NM_000081.4 (MANE Select); coding-DNA position 8619, one base duplicated (T; older notation c.8619dupT).
Protein change: p.Gln2874fs; shifts the reading frame from glutamine 2874.
Molecular consequence: frameshift variant.
Genome position (GRCh38, 1-based): chr1:235,733,685, A duplicated on the plus strand (T on the coding strand, the reverse complement: LYST is on the minus strand); the first of 3 consecutive A bases (chr1:235,733,685-235,733,687); duplicating any one gives the same sequence. VCF-style (leftmost placement, unchanged base first): chr1-235733684-G-GA. GRCh37 (hg19) VCF-style: chr1-235896984-G-GA.
Other names: c.8619dup, p.Gln2874fs (NM_001301365.1); c.8619dup (NM_000081.3); short protein forms Q2874fs.
Identifiers: ClinVar variation 4082464 (VCV004082464.2).

ClinVar aggregate classification (germline): Likely pathogenic (1 of 4 stars; one submission).

Submission:

Genetic Services Laboratory, University of Chicago
Classification: Likely pathogenic. Last evaluated: 2024-09-11. Review status: criteria provided, single submitter. Criteria: ACMG Guidelines, 2015. Collection method: clinical testing. Allele origin: germline. Affected: yes.
Comment: DNA sequence analysis of the LYST gene demonstrated a single base pair duplication in exon 34, c.8619dup. This duplication is predicted to results in an amino acid frameshift and creates a premature stop codon 11 amino acids downstream of the change, p.Gln2874Serfs*12. This sequence change is predicted to result in an abnormal transcript, which may be degraded, or may lead to the production of a truncated LYST protein with potentially abnormal function. While this duplication has not previously been reported in the literature, other frameshift or nonsense variants downstream of this region of the LYST protein have been previously reported in individuals with LYST-related disorders (PMID: 20368792, 32542393). The c.8619dup sequence change has not been described in population databases such as ExAC and gnomAD. Collectively, this evidence indicates that this sequence change is likely pathogenic, however functional studies have not been performed to prove this conclusively.